The following is an entry in ClinVar:

ClinVar aggregate classification (germline): Uncertain significance (1 of 4 stars; one submission).

Conditions:
Ataxia-telangiectasia-like disorder (ATLD). Identifiers: MedGen C1858391, MONDO:0011457.

Submission:

Labcorp Genetics (formerly Invitae), Labcorp
Classification: Uncertain significance for Ataxia-telangiectasia-like disorder. Last evaluated: 2024-06-30. Review status: criteria provided, single submitter. Criteria: Invitae Variant Classification Sherloc (09022015). Collection method: clinical testing. Allele origin: germline.
Comment: This sequence change falls in intron 6 of the MRE11 gene. It does not directly change the encoded amino acid sequence of the MRE11 protein. It affects a nucleotide within the consensus splice site. This variant is not present in population databases (gnomAD no frequency). This variant has not been reported in the literature in individuals affected with MRE11-related conditions. ClinVar contains an entry for this variant (Variation ID: 1681621). Variants that disrupt the consensus splice site are a relatively common cause of aberrant splicing (PMID: 17576681, 9536098). Algorithms developed to predict the effect of sequence changes on RNA splicing suggest that this variant is not likely to affect RNA splicing. In summary, the available evidence is currently insufficient to determine the role of this variant in disease. Therefore, it has been classified as a Variant of Uncertain Significance.

Literature cited by the submitters: PubMed 17576681; PubMed 9536098.

NM_005591.4(MRE11):c.544+4A>T

Gene: MRE11 (MRE11 double strand break repair nuclease; minus strand). Cytogenetic location: 11q21.
Variant type: single nucleotide variant.
Coding change: c.544+4A>T on transcript NM_005591.4 (MANE Select); 4 bases into the intron after coding-DNA position 544, A replaced by T.
Molecular consequence: intron variant.
Genome position (GRCh38, 1-based): chr11:94,478,731, T>A on the plus strand (A>T on the coding strand, the complement: MRE11 is on the minus strand). VCF-style: chr11-94478731-T-A. GRCh37 (hg19) VCF-style: chr11-94211897-T-A.
Other names: c.544+4A>T (NM_001330347.2, NM_005590.4).
Identifiers: ClinVar variation 1681621 (VCV001681621.6), dbSNP rs2135084555, ClinGen allele CA2573147775.